The following is an entry in ClinVar:

NM_001297.5(CNGB1):c.1732C>T (p.Arg578Trp)

Gene: CNGB1 (cyclic nucleotide gated channel subunit beta 1; minus strand). Cytogenetic location: 16q21.
Variant type: single nucleotide variant.
Coding change: c.1732C>T on transcript NM_001297.5 (MANE Select); coding-DNA position 1732, C replaced by T.
Protein change: p.Arg578Trp; replaces arginine 578 with tryptophan.
Molecular consequence: missense variant.
Genome position (GRCh38, 1-based): chr16:57,920,456, G>A on the plus strand (C>T on the coding strand, the complement: CNGB1 is on the minus strand). VCF-style: chr16-57920456-G-A. GRCh37 (hg19) VCF-style: chr16-57954360-G-A.
Other names: c.1714C>T, p.Arg572Trp (NM_001286130.2); short protein forms R572W, R578W.
Identifiers: ClinVar variation 852510 (VCV000852510.8), dbSNP rs375213691, ClinGen allele CA8083312.

ClinVar aggregate classification (germline): Uncertain significance. Review status: criteria provided, multiple submitters, no conflicts (2 of 4 stars). 3 submissions from 3 submitters: Uncertain significance (3). Last evaluated 2025-11-17.

Conditions:
Inborn genetic diseases. Identifiers: MedGen C0950123, MeSH D030342.

Allele frequency attached by ClinVar (database versions not stated): ExAC 0.00003; TOPMed 0.00006; ESP Exome Variant Server 0.00008.
gnomAD v4.1: 140 of 1,614,000 alleles (0.0087%); highest among the groups gnomAD compares: African/African-American, 0.013%; no homozygotes.

Submissions (3):

Labcorp Genetics (formerly Invitae), Labcorp
Classification: Uncertain significance. Last evaluated: 2025-11-17. Review status: criteria provided, single submitter. Criteria: Invitae Variant Classification Sherloc (09022015). Collection method: clinical testing. Allele origin: germline.
Comment: This sequence change replaces arginine, which is basic and polar, with tryptophan, which is neutral and slightly polar, at codon 578 of the CNGB1 protein (p.Arg578Trp). This variant is present in population databases (rs375213691, gnomAD 0.01%). This variant has not been reported in the literature in individuals affected with CNGB1-related conditions. ClinVar contains an entry for this variant (Variation ID: 852510). Invitae Evidence Modeling of protein sequence and biophysical properties (such as structural, functional, and spatial information, amino acid conservation, physicochemical variation, residue mobility, and thermodynamic stability) indicates that this missense variant is expected to disrupt CNGB1 protein function with a positive predictive value of 80%. In summary, the available evidence is currently insufficient to determine the role of this variant in disease. Therefore, it has been classified as a Variant of Uncertain Significance.

Ambry Genetics
Classification: Uncertain significance for Inborn genetic diseases. Last evaluated: 2025-06-07. Review status: criteria provided, single submitter. Criteria: Ambry Variant Classification Scheme 2023. Collection method: clinical testing. Allele origin: germline.

Blueprint Genetics
Classification: Uncertain significance. Last evaluated: 2024-03-11. Review status: criteria provided, single submitter. Criteria: ACMG Guidelines, 2015. Collection method: clinical testing. Allele origin: germline.